The following is an entry in ClinVar:

NM_016938.5(EFEMP2):c.430C>G (p.Pro144Ala)

Gene: EFEMP2 (EGF-like fibulin extracellular matrix protein 2; minus strand). Cytogenetic location: 11q13.1.
Variant type: single nucleotide variant.
Coding change: c.430C>G on transcript NM_016938.5 (MANE Select); coding-DNA position 430, C replaced by G.
Protein change: p.Pro144Ala; replaces proline 144 with alanine.
Molecular consequence: missense variant. On other transcripts: non-coding transcript variant (1).
Genome position (GRCh38, 1-based): chr11:65,870,596, G>C on the plus strand (C>G on the coding strand, the complement: EFEMP2 is on the minus strand). VCF-style: chr11-65870596-G-C. GRCh37 (hg19) VCF-style: chr11-65638067-G-C.
Other names: short protein forms P144A.
Identifiers: ClinVar variation 3345099 (VCV003345099.2).

ClinVar aggregate classification (germline): Uncertain significance. Review status: criteria provided, single submitter (1 of 4 stars). 2 submissions from 2 submitters: Uncertain significance (1). 1 of the submissions does not count toward it. Last evaluated 2026-06-20.

Conditions:
Cardiovascular phenotype. Identifiers: MedGen CN230736.
EFEMP2-related disorder. Also called: EFEMP2-related condition.

Submissions (2):

Ambry Genetics
Classification: Uncertain significance for Cardiovascular phenotype. Last evaluated: 2026-06-20. Review status: criteria provided, single submitter. Criteria: Ambry Variant Classification Scheme 2023. Collection method: clinical testing. Allele origin: germline.
Comment: The p.P144A variant (also known as c.430C>G), located in coding exon 4 of the EFEMP2 gene, results from a C to G substitution at nucleotide position 430. The proline at codon 144 is replaced by alanine, an amino acid with highly similar properties. This amino acid position is conserved. In addition, the in silico prediction for this alteration is inconclusive. Based on the available evidence, the clinical significance of this variant remains unclear.

PreventionGenetics, part of Exact Sciences
Classification: Uncertain significance for EFEMP2-related condition. Last evaluated: 2024-09-09. Review status: no assertion criteria provided. Collection method: clinical testing. Allele origin: germline. Not counted in ClinVar's aggregate classification.
Comment: The EFEMP2 c.430C>G variant is predicted to result in the amino acid substitution p.Pro144Ala. To our knowledge, this variant has not been reported in the literature or in a large population database, indicating this variant is rare. At this time, the clinical significance of this variant is uncertain due to the absence of conclusive functional and genetic evidence.